The following is an entry in ClinVar:

NM_152383.5(DIS3L2):c.1970G>T (p.Arg657Leu)

Gene: DIS3L2 (DIS3 like 3'-5' exoribonuclease 2; plus strand). Cytogenetic location: 2q37.1.
Variant type: single nucleotide variant.
Coding change: c.1970G>T on transcript NM_152383.5 (MANE Select); coding-DNA position 1970, G replaced by T.
Protein change: p.Arg657Leu; replaces arginine 657 with leucine.
Molecular consequence: missense variant. On other transcripts: non-coding transcript variant (2), intron variant (1).
Genome position (GRCh38, 1-based): chr2:232,330,736, G>T. VCF-style: chr2-232330736-G-T. GRCh37 (hg19) VCF-style: chr2-233195446-G-T.
Other names: c.1582-12609G>T (NM_001257281.2); short protein forms R657L.
Identifiers: ClinVar variation 842667 (VCV000842667.9), dbSNP rs757443947, ClinGen allele CA350976646.
Genomic context (GRCh38, chr2:232,330,736, plus strand): 5'-GGATTTGCTTCTAGAAAAGCCTGACCCAAACATTTGGAGATGACAAGTACTCACTGGCCC[G>T]CAAGGAGGTGCTCACCAACATGTGCTCCCGGCCCATGCAGGTAAGGAGGGCCCAGCCCCG-3'
Protein context (NP_689596.4, residues 647-667): TFGDDKYSLA[Arg657Leu]KEVLTNMCSR

ClinVar aggregate classification (germline): Uncertain significance (1 of 4 stars; one submission).

Conditions:
Perlman syndrome (PRLMNS). Identifiers: Orphanet 2849, MedGen C0796113, MONDO:0009965, OMIM 267000.

gnomAD v4.1: 1 of 1,613,418 alleles (0.000062%); highest among the groups gnomAD compares: South Asian, 0.0011%; no homozygotes.

Submission:

Labcorp Genetics (formerly Invitae), Labcorp
Classification: Uncertain significance for Perlman syndrome. Last evaluated: 2019-03-20. Review status: criteria provided, single submitter. Criteria: Invitae Variant Classification Sherloc (09022015). Collection method: clinical testing. Allele origin: germline.
Comment: This variant is not present in population databases (ExAC no frequency). In summary, the available evidence is currently insufficient to determine the role of this variant in disease. Therefore, it has been classified as a Variant of Uncertain Significance. Algorithms developed to predict the effect of missense changes on protein structure and function (SIFT, PolyPhen-2, Align-GVGD) all suggest that this variant is likely to be tolerated, but these predictions have not been confirmed by published functional studies and their clinical significance is uncertain. This variant has not been reported in the literature in individuals with DIS3L2-related conditions. This sequence change replaces arginine with leucine at codon 657 of the DIS3L2 protein (p.Arg657Leu). The arginine residue is moderately conserved and there is a moderate physicochemical difference between arginine and leucine.